The following is an entry in ClinVar:

NM_001369268.1(ACAN):c.7585C>T (p.Gln2529Ter)

Gene: ACAN (aggrecan; plus strand). Cytogenetic location: 15q26.1.
Variant type: single nucleotide variant.
Coding change: c.7585C>T on transcript NM_001369268.1 (MANE Select); coding-DNA position 7585, C replaced by T.
Protein change: p.Gln2529Ter; replaces glutamine 2529 with a stop codon.
Molecular consequence: nonsense. On other transcripts: intron variant (1).
Genome position (GRCh38, 1-based): chr15:88,873,979, C>T. VCF-style: chr15-88873979-C-T. GRCh37 (hg19) VCF-style: chr15-89417210-C-T.
Other names: c.7357C>T, p.Gln2453Ter (NM_001411096.1); c.7471C>T, p.Gln2491Ter (NM_001411097.1, NM_013227.4); c.7220-426C>T (NM_001135.4); short protein forms Q2453*, Q2491*, Q2529*.
Identifiers: ClinVar variation 4976302 (VCV004976302.1).

ClinVar aggregate classification (germline): Uncertain significance (1 of 4 stars; one submission).

Submission:

GeneDx
Classification: Uncertain significance. Last evaluated: 2026-02-13. Review status: criteria provided, single submitter. Criteria: GeneDx Variant Classification Process June 2021. Collection method: clinical testing. Allele origin: germline.
Comment: Nonsense variant predicted to result in protein truncation as the last 40 amino acid(s) are lost; Not observed at significant frequency in large population cohorts (gnomAD); Has not been previously published as pathogenic or benign to our knowledge